The following is an entry in ClinVar:

NM_001277115.2(DNAH11):c.4009C>T (p.Arg1337Ter)

Gene: DNAH11 (dynein axonemal heavy chain 11; plus strand). Cytogenetic location: 7p15.3.
Variant type: single nucleotide variant.
Coding change: c.4009C>T on transcript NM_001277115.2 (MANE Select); coding-DNA position 4009, C replaced by T.
Protein change: p.Arg1337Ter; replaces arginine 1337 with a stop codon.
Molecular consequence: nonsense.
Genome position (GRCh38, 1-based): chr7:21,615,270, C>T. VCF-style: chr7-21615270-C-T. GRCh37 (hg19) VCF-style: chr7-21654888-C-T.
Other names: c.4009C>T, p.Arg1337Ter (NM_003777.3); short protein forms R1337*.
Identifiers: ClinVar variation 2061830 (VCV002061830.5), dbSNP rs1447609804, ClinGen allele CA366951354.

ClinVar aggregate classification (germline): Pathogenic. Review status: criteria provided, multiple submitters, no conflicts (2 of 4 stars). 2 submissions from 2 submitters: Pathogenic (2). Last evaluated 2026-04-02.

Conditions:
Primary ciliary dyskinesia. Also called: Ciliary dyskinesia. Identifiers: Orphanet 244, MedGen C0008780, MONDO:0016575, HP:0012265.
Primary ciliary dyskinesia 7. Also called: CILIARY DYSKINESIA, PRIMARY, 7, WITH OR WITHOUT SITUS INVERSUS. Identifiers: Orphanet 244, MedGen C2678473, MONDO:0012748, OMIM 611884.

Allele frequency attached by ClinVar (database versions not stated): TOPMed below 0.00001; gnomAD 0.00001.
gnomAD v4.1: 7 of 1,609,846 alleles (0.00043%); highest among the groups gnomAD compares: African/African-American, 0.0027%; no homozygotes.

Submissions (2):

Women's Health and Genetics/Laboratory Corporation of America, LabCorp
Classification: Pathogenic for Primary ciliary dyskinesia 7. Last evaluated: 2026-04-02. Review status: criteria provided, single submitter. Criteria: LabCorp Variant Classification Summary - May 2015. Collection method: clinical testing. Allele origin: germline.
Comment: Variant summary: DNAH11 c.4009C>T (p.Arg1337X) results in a premature termination codon, predicted to cause a truncation of the encoded protein or absence of the protein due to nonsense mediated decay, which are commonly known mechanisms for disease. Several computational tools predict a significant impact on normal splicing: Two predict the variant abolishes a 5' splicing donor site. Two predict the variant weakens a 5' donor site. However, these predictions have yet to be confirmed by functional studies. The variant was absent in 246222 control chromosomes. To our knowledge, no occurrence of c.4009C>T in individuals affected with DNAH11-related conditions and no experimental evidence demonstrating its impact on protein function have been reported. ClinVar contains an entry for this variant (Variation ID: 2061830). Based on the evidence outlined above, the variant was classified as pathogenic.

Labcorp Genetics (formerly Invitae), Labcorp
Classification: Pathogenic for Primary ciliary dyskinesia. Last evaluated: 2024-11-13. Review status: criteria provided, single submitter. Criteria: Invitae Variant Classification Sherloc (09022015). Collection method: clinical testing. Allele origin: germline.
Comment: This sequence change creates a premature translational stop signal (p.Arg1337*) in the DNAH11 gene. It is expected to result in an absent or disrupted protein product. Loss-of-function variants in DNAH11 are known to be pathogenic (PMID: 18022865, 20513915, 22184204). This variant is not present in population databases (gnomAD no frequency). This variant has not been reported in the literature in individuals affected with DNAH11-related conditions. ClinVar contains an entry for this variant (Variation ID: 2061830). Algorithms developed to predict the effect of sequence changes on RNA splicing suggest that this variant may disrupt the consensus splice site. For these reasons, this variant has been classified as Pathogenic.

Literature cited by the submitters: PubMed 18022865 (cited by Labcorp Genetics (formerly Invitae), Labcorp); PubMed 20513915 (cited by Labcorp Genetics (formerly Invitae), Labcorp); PubMed 22184204 (cited by Labcorp Genetics (formerly Invitae), Labcorp).